The following is an entry in ClinVar:

NM_000059.4(BRCA2):c.9972A>G (p.Pro3324=)

Gene: BRCA2 (BRCA2 DNA repair associated; plus strand). Cytogenetic location: 13q13.1.
Variant type: single nucleotide variant.
Coding change: c.9972A>G on transcript NM_000059.4 (MANE Select); coding-DNA position 9972, A replaced by G.
Protein change: p.Pro3324=; no amino-acid change (proline 3324 retained).
Molecular consequence: synonymous variant.
Genome position (GRCh38, 1-based): chr13:32,398,485, A>G. VCF-style: chr13-32398485-A-G. GRCh37 (hg19) VCF-style: chr13-32972622-A-G.
Identifiers: ClinVar variation 184729 (VCV000184729.29), dbSNP rs786201647, ClinGen allele CA026349.

ClinVar aggregate classification (germline): Likely benign. Review status: reviewed by expert panel (3 of 4 stars). 9 submissions from 9 submitters: Likely benign (1). 8 of the submissions do not count toward it. Last evaluated 2017-06-29.

Conditions:
Hereditary cancer-predisposing syndrome. Also called: Tumor predisposition; Hereditary Cancer Syndrome; Hereditary neoplastic syndrome; Neoplastic Syndromes, Hereditary. Identifiers: Orphanet 140162, MedGen C0027672, MeSH D009386, MONDO:0015356.
Hereditary breast ovarian cancer syndrome. Also called: Breast and ovarian cancer; Hereditary breast and ovarian cancer syndrome; Hereditary breast and ovarian cancer; BRCA1- and BRCA2-Associated Hereditary Breast and Ovarian Cancer; Hereditary breast and ovarian cancer syndrome (HBOC); Hereditary breast and/or ovarian cancer syndrome. Identifiers: Orphanet 145, MedGen C0677776, MeSH D061325, MONDO:0003582. Disease mechanism: loss of function.
Breast-ovarian cancer, familial, susceptibility to, 2 (BROVCA2). Also called: BRCA2 Hereditary Breast and Ovarian Cancer. Identifiers: Orphanet 145, MedGen C2675520, MONDO:0012933, OMIM 612555. Disease mechanism: loss of function.

Allele frequency attached by ClinVar (database versions not stated): gnomAD exomes 0.00001; TOPMed 0.00001.
gnomAD v4.1: 11 of 1,614,048 alleles (0.00068%); highest among the groups gnomAD compares: Admixed American, 0.017%; no homozygotes.

Submissions (9):

Evidence-based Network for the Interpretation of Germline Mutant Alleles (ENIGMA)
Classification: Likely benign for Breast-ovarian cancer, familial, susceptibility to, 2. Last evaluated: 2017-06-29. Review status: reviewed by expert panel. Criteria: ENIGMA BRCA1/2 Classification Criteria (2017-06-29). Collection method: curation. Allele origin: germline.
Comment: Synonymous substitution variant, with low bioinformatic likelihood to result in a splicing aberration (Splicing prior probability 0.02).

Labcorp Genetics (formerly Invitae), Labcorp
Classification: Likely benign for Hereditary breast ovarian cancer syndrome. Last evaluated: 2025-08-24. Review status: criteria provided, single submitter. Criteria: Invitae Variant Classification Sherloc (09022015). Collection method: clinical testing. Allele origin: germline. Not counted in ClinVar's aggregate classification.

Quest Diagnostics Nichols Institute San Juan Capistrano
Classification: Likely benign. Last evaluated: 2025-07-24. Review status: criteria provided, single submitter. Criteria: Quest Diagnostics criteria. Collection method: clinical testing. Allele origin: unknown. Not counted in ClinVar's aggregate classification.

ARUP Laboratories, Molecular Genetics and Genomics, ARUP Laboratories
Classification: Likely benign. Last evaluated: 2023-11-22. Review status: criteria provided, single submitter. Criteria: ARUP Molecular Germline Variant Investigation Process 2024. Collection method: clinical testing. Allele origin: germline. Not counted in ClinVar's aggregate classification.

All of Us Research Program, National Institutes of Health
Classification: Likely benign for Breast-ovarian cancer, familial, susceptibility to, 2. Last evaluated: 2023-08-15. Review status: criteria provided, single submitter. Criteria: ACMG Guidelines, 2015. Collection method: clinical testing. Allele origin: germline. Inheritance: Autosomal dominant inheritance. Observed: 1 variant allele, 1 heterozygote. Not counted in ClinVar's aggregate classification.
Comment: This study involves interpretation of variants in research participants for the purpose of population health screening. Participant phenotype was not available at the time of variant classification. Additional details can be found in publication PMID: 35346344, PMCID: PMC8962531

Women's Health and Genetics/Laboratory Corporation of America, LabCorp
Classification: Likely benign. Last evaluated: 2019-12-24. Review status: criteria provided, single submitter. Criteria: LabCorp Variant Classification Summary - May 2015. Collection method: clinical testing. Allele origin: germline. Not counted in ClinVar's aggregate classification.

GeneDx
Classification: Likely benign. Last evaluated: 2018-01-03. Review status: criteria provided, single submitter. Criteria: GeneDx Variant Classification (06012015). Collection method: clinical testing. Allele origin: germline. Affected: yes. Not counted in ClinVar's aggregate classification.
Comment: This variant is considered likely benign or benign based on one or more of the following criteria: it is a conservative change, it occurs at a poorly conserved position in the protein, it is predicted to be benign by multiple in silico algorithms, and/or has population frequency not consistent with disease.

Color Diagnostics, LLC DBA Color Health
Classification: Likely benign for Hereditary cancer-predisposing syndrome. Last evaluated: 2017-07-19. Review status: criteria provided, single submitter. Criteria: ACMG Guidelines, 2015. Collection method: clinical testing. Allele origin: germline. Not counted in ClinVar's aggregate classification.

Ambry Genetics
Classification: Likely benign for Hereditary cancer-predisposing syndrome. Last evaluated: 2016-09-08. Review status: criteria provided, single submitter. Criteria: Ambry Variant Classification Scheme 2023. Collection method: clinical testing. Allele origin: germline. Not counted in ClinVar's aggregate classification.

Literature cited by the submitters: PubMed 21120943 (cited by Quest Diagnostics Nichols Institute San Juan Capistrano).